The following is an entry in ClinVar:

NC_000023.11:g.(?_31627663)_(31774202_?)del

Gene: DMD (dystrophin; minus strand). Cytogenetic location: Xp21.1.
Variant type: Deletion.
Identifiers: ClinVar variation 831182 (VCV000831182.1).

ClinVar aggregate classification (germline): Pathogenic (1 of 4 stars; one submission).

Conditions:
Duchenne muscular dystrophy (DMD). Also called: Duchenne Muscular Dystrophy (DMD); MUSCULAR DYSTROPHY, PSEUDOHYPERTROPHIC PROGRESSIVE, DUCHENNE TYPE. Identifiers: Orphanet 98896, MedGen C0013264, MONDO:0010679, OMIM 310200.

Submission:

Labcorp Genetics (formerly Invitae), Labcorp
Classification: Pathogenic for Duchenne muscular dystrophy. Last evaluated: 2019-11-08. Review status: criteria provided, single submitter. Criteria: Invitae Variant Classification Sherloc (09022015). Collection method: clinical testing. Allele origin: germline.
Comment: This variant is an out-of-frame deletion of the genomic region encompassing exons 51-55 of the DMD gene. This is expected to create a premature translational stop signal and result in an absent or disrupted protein product. A similar deletion of exons 51-55 has been reported in individuals affected with DMD-related muscular dystrophy (PMID: 22090376, 15841391, 16030524, 9800909, 27206868, 21228398). Loss-of-function variants in DMD are known to be pathogenic (PMID: 16770791, 25007885). For these reasons, this variant has been classified as Pathogenic.

Literature cited by the submitters: PubMed 27206868; PubMed 22090376; PubMed 16030524; PubMed 15841391; PubMed 21228398; PubMed 9800909.